The following is an entry in ClinVar:

NM_001109809.5(ZFP57):c.1103A>T (p.Asp368Val)

Gene: ZFP57 (ZFP57 zinc finger protein; minus strand). Cytogenetic location: 6p22.1.
Variant type: single nucleotide variant.
Coding change: c.1103A>T on transcript NM_001109809.5 (MANE Select); coding-DNA position 1103, A replaced by T.
Protein change: p.Asp368Val; replaces aspartic acid 368 with valine.
Molecular consequence: missense variant.
Genome position (GRCh38, 1-based): chr6:29,673,008, T>A on the plus strand (A>T on the coding strand, the complement: ZFP57 is on the minus strand). VCF-style: chr6-29673008-T-A. GRCh37 (hg19) VCF-style: chr6-29640785-T-A.
Other names: c.887A>T, p.Asp296Val (NM_001366333.2); short protein forms D368V, D296V.
Identifiers: ClinVar variation 130773 (VCV000130773.19), dbSNP rs2535241, ClinGen allele CA156043.
Genomic context (GRCh38, chr6:29,673,008, plus strand): 5'-TGGGGGCAACAGAAGACATTGAGTCTTGAGGGCTTCACTGGATGAGAGTTGGATCTGGCA[T>A]CCTGACAGAGGGTTCCAGTGATGGGTGCCTGGGTCCTGGTCACAGGTGCTTGGTTCTTAA-3'
Protein context (NP_001103279.2, residues 358-378): QAPITGTLCQ[Asp368Val]ARSNSHPVKP

ClinVar aggregate classification (germline): Benign. Review status: criteria provided, multiple submitters, no conflicts (2 of 4 stars). 4 submissions from 4 submitters: Benign (3). 1 of the submissions does not count toward it. Last evaluated 2026-02-04.

Conditions:
Diabetes mellitus, transient neonatal, 1 (TNDM1). Also called: Diabetes Mellitus, 6q24-Related Transient Neonatal. Identifiers: Orphanet 99886, MedGen C1832386, MONDO:0011073, OMIM 601410.

Allele frequency attached by ClinVar (database versions not stated): gnomAD exomes 0.02214; ExAC 0.02380; gnomAD 0.04806; 1000 Genomes Project 0.04912; ESP Exome Variant Server 0.05419; 1000 Genomes Project 30x 0.05575; TOPMed 0.05851.
gnomAD v4.1: 35,838 of 1,612,974 alleles (2.2%); highest among the groups gnomAD compares: African/African-American, 14%; 994 homozygotes.

Submissions (4):

Labcorp Genetics (formerly Invitae), Labcorp
Classification: Benign. Last evaluated: 2026-02-04. Review status: criteria provided, single submitter. Criteria: Invitae Variant Classification Sherloc (09022015). Collection method: clinical testing. Allele origin: germline.

GeneDx
Classification: Benign. Last evaluated: 2021-05-05. Review status: criteria provided, single submitter. Criteria: GeneDx Variant Classification Process June 2021. Collection method: clinical testing. Allele origin: germline. Affected: yes.

Illumina Laboratory Services, Illumina
Classification: Benign for Diabetes mellitus, transient neonatal, 1. Last evaluated: 2018-01-13. Review status: criteria provided, single submitter. Criteria: ICSL Variant Classification Criteria 13 December 2019. Collection method: clinical testing. Allele origin: germline.
Comment: This variant was observed in the ICSL laboratory as part of a predisposition screen in an ostensibly healthy population. It had not been previously curated by ICSL or reported in the Human Gene Mutation Database (HGMD: prior to June 1st, 2018), and was therefore a candidate for classification through an automated scoring system. Utilizing variant allele frequency, disease prevalence and penetrance estimates, and inheritance mode, an automated score was calculated to assess if this variant is too frequent to cause the disease. Based on the score and internal cut-off values, a variant classified as benign is not then subjected to further curation. The score for this variant resulted in a classification of benign for this disease.

Genetic Services Laboratory, University of Chicago
Classification: Likely benign for AllHighlyPenetrant. Review status: no assertion criteria provided. Collection method: clinical testing. Allele origin: germline. Inheritance: Autosomal recessive inheritance. Not counted in ClinVar's aggregate classification.
Comment: Likely benign based on allele frequency in 1000 Genomes Project or ESP global frequency and its presence in a patient with a rare or unrelated disease phenotype. NOT Sanger confirmed.